The following is an entry in ClinVar:

NM_020975.6(RET):c.876G>C (p.Val292=)

Gene: RET (ret proto-oncogene; plus strand). Cytogenetic location: 10q11.21.
Variant type: single nucleotide variant.
Coding change: c.876G>C on transcript NM_020975.6 (MANE Select); coding-DNA position 876, G replaced by C.
Protein change: p.Val292=; no amino-acid change (valine 292 retained).
Molecular consequence: synonymous variant. On other transcripts: intron variant (25).
Genome position (GRCh38, 1-based): chr10:43,106,384, G>C. VCF-style: chr10-43106384-G-C. GRCh37 (hg19) VCF-style: chr10-43601832-G-C.
Other names: c.114G>C, p.Val38= (NM_001355216.2); c.876G>C, p.Val292= (NM_001406743.1, NM_001406744.1, NM_001406759.1 and 4 more transcripts); c.747G>C, p.Val249= (NM_001406761.1, NM_001406762.1, NM_001406764.1 and 1 more transcripts); c.588G>C, p.Val196= (NM_001406766.1, NM_001406767.1, NM_001406770.1); c.867+1191G>C (NM_001406772.1, NM_001406769.1); c.626-2647G>C (NM_001406773.1, NM_001406771.1); c.625+3755G>C (NM_001406782.1, NM_001406780.1, NM_001406779.1 and 3 more transcripts); c.738+1191G>C (NM_001406774.1); and 5 more.
Identifiers: ClinVar variation 3904651 (VCV003904651.2).

ClinVar aggregate classification (germline): Benign/Likely benign. Review status: criteria provided, multiple submitters, no conflicts (2 of 4 stars). 2 submissions from 2 submitters: Benign (1); Likely benign (1). Last evaluated 2025-11-15.

Conditions:
Hereditary cancer-predisposing syndrome. Also called: Hereditary Cancer Syndrome; Hereditary neoplastic syndrome; Neoplastic Syndromes, Hereditary; Tumor predisposition. Identifiers: Orphanet 140162, MedGen C0027672, MeSH D009386, MONDO:0015356.
Multiple endocrine neoplasia type 2A. Also called: Multiple Endocrine Neoplasia Type 2A (MEN2A); MULTIPLE ENDOCRINE NEOPLASIA, TYPE IIA; PTC SYNDROME; SIPPLE SYNDROME; MEN 2A; MEN-2A syndrome. Identifiers: Orphanet 247698, Orphanet 653, MedGen C0025268, MeSH D018813, MONDO:0008234, OMIM 171400.

Submissions (2):

Ambry Genetics
Classification: Likely benign for Hereditary cancer-predisposing syndrome. Last evaluated: 2025-11-15. Review status: criteria provided, single submitter. Criteria: Ambry Variant Classification Scheme 2023. Collection method: clinical testing. Allele origin: germline.

Myriad Genetics, Inc.
Classification: Benign for Multiple endocrine neoplasia type 2A. Last evaluated: 2025-02-25. Review status: criteria provided, single submitter. Criteria: Myriad Autosomal Dominant, Autosomal Recessive and X-Linked Classification Criteria (2023). Collection method: clinical testing. Allele origin: unknown.
Comment: This variant is considered benign. This variant is a silent/synonymous amino acid change and it is not expected to impact splicing.